The following is an entry in ClinVar:

NM_003673.4(TCAP):c.406A>C (p.Ile136Leu)

Gene: TCAP (titin-cap; plus strand). Cytogenetic location: 17q12.
Variant type: single nucleotide variant.
Coding change: c.406A>C on transcript NM_003673.4 (MANE Select); coding-DNA position 406, A replaced by C.
Protein change: p.Ile136Leu; replaces isoleucine 136 with leucine.
Molecular consequence: missense variant.
Genome position (GRCh38, 1-based): chr17:39,666,011, A>C. VCF-style: chr17-39666011-A-C. GRCh37 (hg19) VCF-style: chr17-37822264-A-C.
Other names: short protein forms I136L.
Identifiers: ClinVar variation 1507347 (VCV001507347.6), dbSNP rs2145074399, ClinGen allele CA399305584.

ClinVar aggregate classification (germline): Uncertain significance (1 of 4 stars; one submission).

Conditions:
Hypertrophic cardiomyopathy 25 (CMH25). Also called: CARDIOMYOPATHY, FAMILIAL HYPERTROPHIC, 25. Identifiers: MedGen C4225408, MONDO:0011843, OMIM 607487.
Primary familial hypertrophic cardiomyopathy (HCM). Identifiers: Orphanet 99739, MedGen C0949658, MeSH D024741, MONDO:0024573. Inheritance: Various modes of inheritance.

Submission:

Labcorp Genetics (formerly Invitae), Labcorp
Classification: Uncertain significance for Hypertrophic cardiomyopathy 25; Primary familial hypertrophic cardiomyopathy. Last evaluated: 2021-11-02. Review status: criteria provided, single submitter. Criteria: Invitae Variant Classification Sherloc (09022015). Collection method: clinical testing. Allele origin: germline.
Comment: In summary, the available evidence is currently insufficient to determine the role of this variant in disease. Therefore, it has been classified as a Variant of Uncertain Significance. This sequence change replaces isoleucine, which is neutral and non-polar, with leucine, which is neutral and non-polar, at codon 136 of the TCAP protein (p.Ile136Leu). This variant is not present in population databases (gnomAD no frequency). This variant has not been reported in the literature in individuals affected with TCAP-related conditions. Algorithms developed to predict the effect of missense changes on protein structure and function are either unavailable or do not agree on the potential impact of this missense change (SIFT: "Tolerated"; PolyPhen-2: "Probably Damaging"; Align-GVGD: "Class C0").